The following is an entry in ClinVar:

ClinVar aggregate classification (germline): Uncertain significance (1 of 4 stars; one submission).

Conditions:
Cardiomyopathy (CMYO). Also called: Cardiomyopathies. Identifiers: Orphanet 167848, MedGen C0878544, MONDO:0004994, HP:0001638. Inheritance: Various modes of inheritance.

Submission:

Color Diagnostics, LLC DBA Color Health
Classification: Uncertain significance for Cardiomyopathy. Last evaluated: 2024-03-06. Review status: criteria provided, single submitter. Criteria: ACMG Guidelines, 2015. Collection method: clinical testing. Allele origin: germline.
Comment: This missense variant replaces lysine with arginine at codon 706 of the DSG2 protein. Computational prediction suggests that this variant may not impact protein structure and function (internally defined REVEL score threshold <= 0.5, PMID: 27666373). To our knowledge, functional studies have not been reported for this variant. This variant has not been reported in individuals affected with cardiovascular disorders in the literature. This variant has not been identified in the general population by the Genome Aggregation Database (gnomAD). The available evidence is insufficient to determine the role of this variant in disease conclusively. Therefore, this variant is classified as a Variant of Uncertain Significance.

NM_001943.5(DSG2):c.2117A>G (p.Lys706Arg)

Genes: DSG2-AS1 (DSG2 antisense RNA 1; minus strand), DSG2 (desmoglein 2; plus strand). Cytogenetic location: 18q12.1.
Variant type: single nucleotide variant.
Coding change: c.2117A>G on transcript NM_001943.5 (MANE Select); coding-DNA position 2117, A replaced by G.
Protein change: p.Lys706Arg; replaces lysine 706 with arginine.
Molecular consequence: missense variant.
Genome position (GRCh38, 1-based): chr18:31,542,635, A>G. VCF-style: chr18-31542635-A-G. GRCh37 (hg19) VCF-style: chr18-29122598-A-G.
Other names: short protein forms K706R.
Identifiers: ClinVar variation 1171375 (VCV001171375.3), dbSNP rs1244546744, ClinGen allele CA402141835.